The following is an entry in ClinVar:

NM_003718.5(CDK13):c.2872C>T (p.Arg958Ter)

Gene: CDK13 (cyclin dependent kinase 13; plus strand). Cytogenetic location: 7p14.1.
Variant type: single nucleotide variant.
Coding change: c.2872C>T on transcript NM_003718.5 (MANE Select); coding-DNA position 2872, C replaced by T.
Protein change: p.Arg958Ter; replaces arginine 958 with a stop codon.
Molecular consequence: nonsense.
Genome position (GRCh38, 1-based): chr7:40,078,096, C>T. VCF-style: chr7-40078096-C-T. GRCh37 (hg19) VCF-style: chr7-40117695-C-T.
Other names: c.2872C>T, p.Arg958Ter (NM_031267.4); short protein forms R958*.
Identifiers: ClinVar variation 4764284 (VCV004764284.1).

ClinVar aggregate classification (germline): Pathogenic (1 of 4 stars; one submission).

gnomAD v4.1: 2 of 1,591,936 alleles (0.00013%); highest among the groups gnomAD compares: South Asian, 0.0011%; no homozygotes.

Submission:

Labcorp Genetics (formerly Invitae), Labcorp
Classification: Pathogenic. Last evaluated: 2026-01-23. Review status: criteria provided, single submitter. Criteria: Invitae Variant Classification Sherloc (09022015). Collection method: clinical testing. Allele origin: germline.
Comment: This sequence change creates a premature translational stop signal (p.Arg958*) in the CDK13 gene. It is expected to result in an absent or disrupted protein product. Loss-of-function variants in CDK13 are known to be pathogenic (PMID: 27479907, 29021403, 29393965). This variant is not present in population databases (gnomAD no frequency). This variant has not been reported in the literature in individuals affected with CDK13-related conditions. Algorithms developed to predict the effect of sequence changes on RNA splicing suggest that this variant may disrupt the consensus splice site. For these reasons, this variant has been classified as Pathogenic.

Literature cited by the submitters: PubMed 27479907; PubMed 29021403; PubMed 29393965.